The following is an entry in ClinVar:

ClinVar aggregate classification (germline): Uncertain significance. Review status: criteria provided, multiple submitters, no conflicts (2 of 4 stars). 2 submissions from 2 submitters: Uncertain significance (2). Last evaluated 2025-08-04.

Conditions:
Dyskeratosis congenita, autosomal dominant 2. Identifiers: MedGen C3151443, MONDO:0013521, OMIM 613989.
Idiopathic Pulmonary Fibrosis. Also called: Idiopathic fibrosing alveolitis, chronic form; idiopathic fibrosing alveolitis. Identifiers: Orphanet 2032, MedGen C1800706, MeSH D054990, MONDO:0800504.
Dyskeratosis congenita. Identifiers: Orphanet 1775, MedGen C0265965, MONDO:0015780.

Allele frequency attached by ClinVar (database versions not stated): gnomAD exomes below 0.00001.
gnomAD v4.1: 2 of 1,613,170 alleles (0.00012%); no homozygotes.

Submissions (2):

Ambry Genetics
Classification: Uncertain significance for Dyskeratosis congenita. Last evaluated: 2025-08-04. Review status: criteria provided, single submitter. Criteria: Ambry Variant Classification Scheme 2023. Collection method: clinical testing. Allele origin: germline.
Comment: The p.A1099T variant (also known as c.3295G>A), located in coding exon 15 of the TERT gene, results from a G to A substitution at nucleotide position 3295. The amino acid change results in alanine to threonine at codon 1099, an amino acid with similar properties. However, this change occurs in the last base pair of coding exon 15, which makes it likely to have some effect on normal mRNA splicing. The nucleotide and amino acid positions are not well conserved in available vertebrate species. In silico splice site analysis predicts that this alteration will weaken the native splice donor site. In addition, as a missense substitution this alteration is predicted to be tolerated by in silico analysis. Based on the available evidence, the clinical significance of this variant remains unclear.

Labcorp Genetics (formerly Invitae), Labcorp
Classification: Uncertain significance for Dyskeratosis congenita, autosomal dominant 2; Idiopathic Pulmonary Fibrosis. Last evaluated: 2021-05-19. Review status: criteria provided, single submitter. Criteria: Invitae Variant Classification Sherloc (09022015). Collection method: clinical testing. Allele origin: germline.
Comment: In summary, the available evidence is currently insufficient to determine the role of this variant in disease. Therefore, it has been classified as a Variant of Uncertain Significance. Nucleotide substitutions within the consensus splice site are a relatively common cause of aberrant splicing (PMID: 17576681, 9536098). Algorithms developed to predict the effect of sequence changes on RNA splicing suggest that this variant is not likely to affect RNA splicing, but this prediction has not been confirmed by published transcriptional studies. Algorithms developed to predict the effect of missense changes on protein structure and function output the following: SIFT: "Tolerated"; PolyPhen-2: "Benign"; Align-GVGD: "Class C0". The threonine amino acid residue is found in multiple mammalian species, suggesting that this missense change does not adversely affect protein function. These predictions have not been confirmed by published functional studies and their clinical significance is uncertain. This variant has not been reported in the literature in individuals with TERT-related conditions. This variant is not present in population databases (ExAC no frequency). This sequence change replaces alanine with threonine at codon 1099 of the TERT protein (p.Ala1099Thr). The alanine residue is weakly conserved and there is a small physicochemical difference between alanine and threonine. This variant also falls at the last nucleotide of exon 15 of the TERT coding sequence, which is part of the consensus splice site for this exon.

Literature cited by the submitters: PubMed 17576681 (cited by Labcorp Genetics (formerly Invitae), Labcorp); PubMed 9536098 (cited by Labcorp Genetics (formerly Invitae), Labcorp).

NM_198253.3(TERT):c.3295G>A (p.Ala1099Thr)

Gene: TERT (telomerase reverse transcriptase; minus strand). Cytogenetic location: 5p15.33.
Variant type: single nucleotide variant.
Coding change: c.3295G>A on transcript NM_198253.3 (MANE Select); coding-DNA position 3295, G replaced by A.
Protein change: p.Ala1099Thr; replaces alanine 1099 with threonine.
Molecular consequence: missense variant. On other transcripts: non-coding transcript variant (2).
Genome position (GRCh38, 1-based): chr5:1,254,368, C>T on the plus strand (G>A on the coding strand, the complement: TERT is on the minus strand). VCF-style: chr5-1254368-C-T. GRCh37 (hg19) VCF-style: chr5-1254483-C-T.
Other names: c.3106G>A, p.Ala1036Thr (NM_001193376.3); c.3295G>A (NM_198253.2); short protein forms A1036T, A1099T.
Identifiers: ClinVar variation 1356921 (VCV001356921.9), dbSNP rs2126559326, ClinGen allele CA359067040.